The following is an entry in ClinVar:

NM_001211.6(BUB1B):c.1847G>A (p.Arg616His)

Gene: BUB1B (BUB1 mitotic checkpoint serine/threonine kinase B; plus strand). Cytogenetic location: 15q15.1.
Variant type: single nucleotide variant.
Coding change: c.1847G>A on transcript NM_001211.6 (MANE Select); coding-DNA position 1847, G replaced by A.
Protein change: p.Arg616His; replaces arginine 616 with histidine.
Molecular consequence: missense variant.
Genome position (GRCh38, 1-based): chr15:40,206,296, G>A. VCF-style: chr15-40206296-G-A. GRCh37 (hg19) VCF-style: chr15-40498497-G-A.
Other names: short protein forms R616H.
Identifiers: ClinVar variation 533906 (VCV000533906.12), dbSNP rs556193159, ClinGen allele CA268798086.

ClinVar aggregate classification (germline): Conflicting classifications of pathogenicity. Review status: criteria provided, conflicting classifications (1 of 4 stars). 2 submissions from 2 submitters: Uncertain significance (1); Likely benign (1). Last evaluated 2024-04-10.

Conditions:
Inborn genetic diseases. Identifiers: MedGen C0950123, MeSH D030342.
Mosaic variegated aneuploidy syndrome 1 (MVA1). Also called: Warburton-Anyane-Yeboa syndrome. Identifiers: Orphanet 1052, MedGen C1850343, MONDO:0009759, OMIM 257300.

Allele frequency attached by ClinVar (database versions not stated): gnomAD exomes 0.00001; TOPMed 0.00001; gnomAD 0.00003.

Submissions (2):

Labcorp Genetics (formerly Invitae), Labcorp
Classification: Uncertain significance for Mosaic variegated aneuploidy syndrome 1. Last evaluated: 2024-04-10. Review status: criteria provided, single submitter. Criteria: Invitae Variant Classification Sherloc (09022015). Collection method: clinical testing. Allele origin: germline.
Comment: This sequence change replaces arginine, which is basic and polar, with histidine, which is basic and polar, at codon 616 of the BUB1B protein (p.Arg616His). This variant is present in population databases (rs556193159, gnomAD 0.002%). This variant has not been reported in the literature in individuals affected with BUB1B-related conditions. ClinVar contains an entry for this variant (Variation ID: 533906). Algorithms developed to predict the effect of missense changes on protein structure and function output the following: SIFT: "Not Available"; PolyPhen-2: "Benign"; Align-GVGD: "Not Available". The histidine amino acid residue is found in multiple mammalian species, which suggests that this missense change does not adversely affect protein function. In summary, the available evidence is currently insufficient to determine the role of this variant in disease. Therefore, it has been classified as a Variant of Uncertain Significance.

Ambry Genetics
Classification: Likely benign for Inborn genetic diseases. Last evaluated: 2021-12-29. Review status: criteria provided, single submitter. Criteria: Ambry Variant Classification Scheme 2023. Collection method: clinical testing. Allele origin: germline.